The following is an entry in ClinVar:

ClinVar aggregate classification (germline): Uncertain significance (1 of 4 stars; one submission).

gnomAD v4.1: 1 of 1,613,758 alleles (0.000062%); highest among the groups gnomAD compares: Non-Finnish European, 0.000085%; no homozygotes.

Submission:

GeneDx
Classification: Uncertain significance. Last evaluated: 2024-03-28. Review status: criteria provided, single submitter. Criteria: GeneDx Variant Classification Process June 2021. Collection method: clinical testing. Allele origin: germline. Affected: yes.
Comment: Not observed at significant frequency in large population cohorts (gnomAD); In silico analysis supports that this missense variant has a deleterious effect on protein structure/function; Has not been previously published as pathogenic or benign to our knowledge

NM_015488.5(PNKD):c.811A>G (p.Met271Val)

Genes: CATIP-AS2 (CATIP antisense RNA 2; minus strand), PNKD (PNKD metallo-beta-lactamase domain containing; plus strand). Cytogenetic location: 2q35.
Variant type: single nucleotide variant.
Coding change: c.811A>G on transcript NM_015488.5 (MANE Select); coding-DNA position 811, A replaced by G.
Protein change: p.Met271Val; replaces methionine 271 with valine.
Molecular consequence: missense variant.
Genome position (GRCh38, 1-based): chr2:218,343,529, A>G. VCF-style: chr2-218343529-A-G. GRCh37 (hg19) VCF-style: chr2-219208252-A-G.
Other names: c.739A>G, p.Met247Val (NM_022572.5); short protein forms M247V, M271V.
Identifiers: ClinVar variation 3371791 (VCV003371791.1).